The following is an entry in ClinVar:

ClinVar aggregate classification (germline): Benign (1 of 4 stars; one submission).

Allele frequency attached by ClinVar (database versions not stated): gnomAD 0.24865 and 0.25476; TOPMed 0.25581; 1000 Genomes Project 30x 0.27327; 1000 Genomes Project 0.27935; gnomAD exomes 0.29634.

Submission:

GeneDx
Classification: Benign. Last evaluated: 2018-06-15. Review status: criteria provided, single submitter. Criteria: GeneDx Variant Classification (06012015). Collection method: clinical testing. Allele origin: germline. Affected: yes.
Comment: This variant is considered likely benign or benign based on one or more of the following criteria: it is a conservative change, it occurs at a poorly conserved position in the protein, it is predicted to be benign by multiple in silico algorithms, and/or has population frequency not consistent with disease.

NM_004415.4(DSP):c.2985+70G>A

Gene: DSP (desmoplakin; plus strand). Cytogenetic location: 6p24.3.
Variant type: single nucleotide variant.
Coding change: c.2985+70G>A on transcript NM_004415.4 (MANE Select); 70 bases into the intron after coding-DNA position 2985, G replaced by A.
Molecular consequence: intron variant.
Genome position (GRCh38, 1-based): chr6:7,577,956, G>A. VCF-style: chr6-7577956-G-A. GRCh37 (hg19) VCF-style: chr6-7578189-G-A.
Other names: c.2985+70G>A (NM_001319034.2, NM_001008844.3).
Identifiers: ClinVar variation 672136 (VCV000672136.1), dbSNP rs6942260, ClinGen allele CA15463544.